The following is an entry in ClinVar:

NM_005751.5(AKAP9):c.2019_2023del (p.Met674fs)

Gene: AKAP9 (A-kinase anchoring protein 9; plus strand). Cytogenetic location: 7q21.2.
Variant type: Microsatellite.
Coding change: c.2019_2023del on transcript NM_005751.5 (MANE Select); coding-DNA positions 2019 to 2023, 5 bases deleted (AATGA; older notation c.2019_2023delAATGA).
Protein change: p.Met674fs; shifts the reading frame from methionine 674.
Molecular consequence: frameshift variant.
Genome position (GRCh38, 1-based): chr7:92,001,936-92,001,940, AATGA deleted; deleting any 5 consecutive bases within chr7:92,001,931-92,001,940 gives the same sequence; the c. name uses the placement nearest the transcript's 3' end. VCF-style (leftmost placement, unchanged base first): chr7-92001930-GAATGA-G. GRCh37 (hg19) VCF-style: chr7-91631244-GAATGA-G.
Other names: c.2019_2023del, p.Met674fs (NM_147185.3); short protein forms M674fs.
Identifiers: ClinVar variation 2758814 (VCV002758814.3), dbSNP rs2484692038, ClinGen allele CA2697557387.

ClinVar aggregate classification (germline): Uncertain significance (1 of 4 stars; one submission).

Conditions:
Long QT syndrome (LQTS). Identifiers: MedGen C0023976, MeSH D008133, MONDO:0002442. Disease mechanism: loss of function. Inheritance: Various modes of inheritance.

Submission:

Labcorp Genetics (formerly Invitae), Labcorp
Classification: Uncertain significance for Long QT syndrome. Last evaluated: 2023-09-20. Review status: criteria provided, single submitter. Criteria: Invitae Variant Classification Sherloc (09022015). Collection method: clinical testing. Allele origin: germline.
Comment: This sequence change creates a premature translational stop signal (p.Met674Serfs*9) in the AKAP9 gene. It is expected to result in an absent or disrupted protein product. However, the current clinical and genetic evidence is not sufficient to establish whether loss-of-function variants in AKAP9 cause disease. This variant is not present in population databases (gnomAD no frequency). This variant has not been reported in the literature in individuals affected with AKAP9-related conditions. Experimental studies and prediction algorithms are not available or were not evaluated, and the functional significance of this variant is currently unknown. In summary, the available evidence is currently insufficient to determine the role of this variant in disease. Therefore, it has been classified as a Variant of Uncertain Significance.